The following is an entry in ClinVar:

ClinVar aggregate classification (germline): Uncertain significance (1 of 4 stars; one submission).

Conditions:
Hereditary spastic paraplegia 54. Also called: Spastic paraplegia 54, autosomal recessive. Identifiers: Orphanet 320380, MedGen C3539495, MONDO:0014018, OMIM 615033.

Allele frequency attached by ClinVar (database versions not stated): ExAC 0.00001; gnomAD exomes 0.00001; gnomAD 0.00002; TOPMed 0.00002.
gnomAD v4.1: 20 of 1,614,042 alleles (0.0012%); highest among the groups gnomAD compares: Non-Finnish European, 0.0015%; no homozygotes.

Submission:

Labcorp Genetics (formerly Invitae), Labcorp
Classification: Uncertain significance for Hereditary spastic paraplegia 54. Last evaluated: 2021-11-01. Review status: criteria provided, single submitter. Criteria: Invitae Variant Classification Sherloc (09022015). Collection method: clinical testing. Allele origin: germline.
Comment: In summary, the available evidence is currently insufficient to determine the role of this variant in disease. Therefore, it has been classified as a Variant of Uncertain Significance. Algorithms developed to predict the effect of missense changes on protein structure and function are either unavailable or do not agree on the potential impact of this missense change (SIFT: "Tolerated"; PolyPhen-2: "Probably Damaging"; Align-GVGD: "Class C0"). This variant has not been reported in the literature in individuals affected with DDHD2-related conditions. This variant is present in population databases (rs749254491, gnomAD 0.007%). This sequence change replaces asparagine, which is neutral and polar, with serine, which is neutral and polar, at codon 301 of the DDHD2 protein (p.Asn301Ser).

NM_015214.3(DDHD2):c.902A>G (p.Asn301Ser)

Gene: DDHD2 (DDHD domain containing 2; plus strand). Cytogenetic location: 8p11.23.
Variant type: single nucleotide variant.
Coding change: c.902A>G on transcript NM_015214.3 (MANE Select); coding-DNA position 902, A replaced by G.
Protein change: p.Asn301Ser; replaces asparagine 301 with serine.
Molecular consequence: missense variant. On other transcripts: non-coding transcript variant (2).
Genome position (GRCh38, 1-based): chr8:38,245,795, A>G. VCF-style: chr8-38245795-A-G. GRCh37 (hg19) VCF-style: chr8-38103313-A-G.
Other names: c.902A>G, p.Asn301Ser (NM_001164232.2, NM_001362911.2, NM_001362912.2 and 1 more transcripts); c.812A>G, p.Asn271Ser (NM_001362913.2); short protein forms N271S, N301S.
Identifiers: ClinVar variation 1409927 (VCV001409927.6), dbSNP rs749254491, ClinGen allele CA4716115.